The following is an entry in ClinVar:

ClinVar aggregate classification (germline): Uncertain significance (1 of 4 stars; one submission).

Submission:

Dasa
Classification: Uncertain significance. Last evaluated: 2024-04-26. Review status: criteria provided, single submitter. Criteria: DASA Assertion Criteria. Collection method: clinical testing. Allele origin: germline.
Comment: NM_005360.5(MAF):c.860T>C (p.Ile287Thr) is a missense variant that results in the substitution of isoleucine with threonine. The affected residue or protein region has prior evidence supporting clinical relevance. This variant is absent from population databases. Computational prediction algorithms are consistent with a deleterious effect. The currently available literature and clinical evidence are not sufficient to establish a definitive association between this variant and the reported condition. Therefore, this variant is classified as a variant of uncertain significance.

NM_005360.5(MAF):c.860T>C (p.Ile287Thr)

Gene: MAF (MAF bZIP transcription factor; minus strand). Cytogenetic location: 16q23.2.
Variant type: single nucleotide variant.
Coding change: c.860T>C on transcript NM_005360.5 (MANE Select); coding-DNA position 860, T replaced by C.
Protein change: p.Ile287Thr; replaces isoleucine 287 with threonine.
Molecular consequence: missense variant.
Genome position (GRCh38, 1-based): chr16:79,599,043, A>G on the plus strand (T>C on the coding strand, the complement: MAF is on the minus strand). VCF-style: chr16-79599043-A-G. GRCh37 (hg19) VCF-style: chr16-79632940-A-G.
Other names: c.860T>C, p.Ile287Thr (NM_001031804.3); short protein forms I287T.
Identifiers: ClinVar variation 4885937 (VCV004885937.2).